The following is an entry in ClinVar:

ClinVar aggregate classification (germline): Pathogenic (1 of 4 stars; one submission).

Allele frequency attached by ClinVar (database versions not stated): gnomAD exomes below 0.00001; gnomAD 0.00013.

Submission:

GeneDx
Classification: Pathogenic. Last evaluated: 2012-08-06. Review status: criteria provided, single submitter. Criteria: GeneDx Variant Classification (06012015). Collection method: clinical testing. Allele origin: germline. Affected: yes.
Comment: c.76+2 T>G:IVS1+2 T>G in intron 1 of the KCNH2 gene (NM_000238.2). Although the c.76+2 T>G mutation in the KCNH2 gene has not been reported previously, this mutation destroys the canonical splice donor site in intron 1 and is expected to cause abnormal gene splicing. This is predicted to lead to loss of protein function due to protein truncation or absence of protein from this allele due to mRNA decay. Other splice site mutations in the KCNH2 gene have been reported in association with LQTS.In summary, c.76+2 T>G in the KCNH2 gene is interpreted as a disease-causing mutation. The variant is found in LQT panel(s).

NM_000238.4(KCNH2):c.76+2T>G

Gene: KCNH2 (potassium voltage-gated channel subfamily H member 2; minus strand). Cytogenetic location: 7q36.1.
Variant type: single nucleotide variant.
Coding change: c.76+2T>G on transcript NM_000238.4 (MANE Select); the canonical splice donor site of the intron after coding-DNA position 76, T replaced by G.
Molecular consequence: splice donor variant.
Genome position (GRCh38, 1-based): chr7:150,977,836, A>C on the plus strand (T>G on the coding strand, the complement: KCNH2 is on the minus strand). VCF-style: chr7-150977836-A-C. GRCh37 (hg19) VCF-style: chr7-150674924-A-C.
Other names: c.76+2T>G (NM_172056.3).
Identifiers: ClinVar variation 200596 (VCV000200596.4), dbSNP rs794728419, ClinGen allele CA008788.